The following is an entry in ClinVar:

NM_004859.4(CLTC):c.1307del (p.Cys436fs)

Gene: CLTC (clathrin heavy chain; plus strand). Cytogenetic location: 17q23.1.
Variant type: Deletion.
Coding change: c.1307del on transcript NM_004859.4 (MANE Select); coding-DNA position 1307, one base deleted (G; older notation c.1307delG).
Protein change: p.Cys436fs; shifts the reading frame from cysteine 436.
Molecular consequence: frameshift variant.
Genome position (GRCh38, 1-based): chr17:59,661,582, G deleted. VCF-style (leftmost placement, unchanged base first): chr17-59661581-TG-T. GRCh37 (hg19) VCF-style: chr17-57738942-TG-T.
Other names: c.1319del, p.Cys440fs (NM_001288653.2); c.1319delG (NM_001288653.1); short protein forms C440fs, C436fs.
Identifiers: ClinVar variation 817819 (VCV000817819.1), dbSNP rs1598223933, ClinGen allele CA915950648.
Genomic context (GRCh38, chr17:59,661,581, plus strand): 5'-CAGTACTTTGGTATCCTTTTGGACCAGGGACAGCTCAACAAATACGAATCCTTAGAGCTT[TG>T]TAGGCCTGTACTTCAGCAAGGGCGAAAACAGCTTTTGGAGAAATGGTTAAAAGAAGATAA-3'

ClinVar aggregate classification (germline): Pathogenic (1 of 4 stars; one submission).

Submission:

GeneDx
Classification: Pathogenic. Last evaluated: 2018-09-13. Review status: criteria provided, single submitter. Criteria: GeneDx Variant Classification (06012015). Collection method: clinical testing. Allele origin: germline. Affected: yes.
Comment: The c.1319delG variant in the CLTC gene has not been reported previously as a pathogenic variant nor as a benign variant, to our knowledge. The c.1319delG variant causes a frameshift starting with codon Cysteine 440, changes this amino acid to a Leucine residue, and creates a premature Stop codon at position 17 of the new reading frame, denoted p.Cys440LeufsX17. This variant is predicted to cause loss of normal protein function either through protein truncation or nonsense-mediated mRNA decay. The c.1319delG variant is not observed in large population cohorts (Lek et al., 2016). We interpret c.1319delG as a pathogenic variant.